The following is an entry in ClinVar:

ClinVar aggregate classification (germline): Uncertain significance. Review status: criteria provided, multiple submitters, no conflicts (2 of 4 stars). 2 submissions from 2 submitters: Uncertain significance (2). Last evaluated 2025-05-23.

Conditions:
Inborn genetic diseases. Identifiers: MedGen C0950123, MeSH D030342.

gnomAD v4.1: 40 of 1,613,998 alleles (0.0025%); highest among the groups gnomAD compares: Middle Eastern, 0.016%; no homozygotes.

Submissions (2):

Ambry Genetics
Classification: Uncertain significance for Inborn genetic diseases. Last evaluated: 2025-05-23. Review status: criteria provided, single submitter. Criteria: Ambry Variant Classification Scheme 2023. Collection method: clinical testing. Allele origin: germline.

Labcorp Genetics (formerly Invitae), Labcorp
Classification: Uncertain significance. Last evaluated: 2025-05-01. Review status: criteria provided, single submitter. Criteria: Invitae Variant Classification Sherloc (09022015). Collection method: clinical testing. Allele origin: germline.
Comment: This sequence change replaces arginine, which is basic and polar, with glutamine, which is neutral and polar, at codon 907 of the INPPL1 protein (p.Arg907Gln). This variant is present in population databases (no rsID available, gnomAD 0.006%). This variant has not been reported in the literature in individuals affected with INPPL1-related conditions. An algorithm developed to predict the effect of missense changes on protein structure and function (PolyPhen-2) suggests that this variant is likely to be disruptive. In summary, the available evidence is currently insufficient to determine the role of this variant in disease. Therefore, it has been classified as a Variant of Uncertain Significance.

NM_001567.4(INPPL1):c.2720G>A (p.Arg907Gln)

Gene: INPPL1 (inositol polyphosphate phosphatase like 1; plus strand). Cytogenetic location: 11q13.4.
Variant type: single nucleotide variant.
Coding change: c.2720G>A on transcript NM_001567.4 (MANE Select); coding-DNA position 2720, G replaced by A.
Protein change: p.Arg907Gln; replaces arginine 907 with glutamine.
Molecular consequence: missense variant.
Genome position (GRCh38, 1-based): chr11:72,235,735, G>A. VCF-style: chr11-72235735-G-A. GRCh37 (hg19) VCF-style: chr11-71946779-G-A.
Other names: short protein forms R907Q.
Identifiers: ClinVar variation 4038818 (VCV004038818.2).